The following is an entry in ClinVar:

NM_001127222.2(CACNA1A):c.2022C>T (p.Tyr674=)

Gene: CACNA1A (calcium voltage-gated channel subunit alpha1 A; minus strand). Cytogenetic location: 19p13.13.
Variant type: single nucleotide variant.
Coding change: c.2022C>T on transcript NM_001127222.2 (MANE Select); coding-DNA position 2022, C replaced by T.
Protein change: p.Tyr674=; no amino-acid change (tyrosine 674 retained).
Molecular consequence: synonymous variant.
Genome position (GRCh38, 1-based): chr19:13,303,849, G>A on the plus strand (C>T on the coding strand, the complement: CACNA1A is on the minus strand). VCF-style: chr19-13303849-G-A. GRCh37 (hg19) VCF-style: chr19-13414663-G-A.
Other names: c.2025C>T, p.Tyr675= (NM_000068.4, NM_001127221.2, NM_001174080.2 and 1 more transcripts).
Identifiers: ClinVar variation 392583 (VCV000392583.4), dbSNP rs940460024, ClinGen allele CA16608932.

ClinVar aggregate classification (germline): Likely benign. Review status: criteria provided, multiple submitters, no conflicts (2 of 4 stars). 2 submissions from 2 submitters: Likely benign (2). Last evaluated 2025-03-26.

Conditions:
Episodic ataxia type 2 (EA2). Also called: ATAXIA, EPISODIC, WITH NYSTAGMUS; ATAXIA, FAMILIAL PAROXYSMAL; CEREBELLAR ATAXIA, PAROXYSMAL, ACETAZOLAMIDE-RESPONSIVE; CEREBELLOPATHY, HEREDITARY PAROXYSMAL; ACETAZOLAMIDE-RESPONSIVE HEREDITARY PAROXYSMAL CEREBELLAR ATAXIA; EPISODIC ATAXIA, NYSTAGMUS-ASSOCIATED. Identifiers: Orphanet 97, MedGen C1720416, MONDO:0007163, OMIM 108500.
Developmental and epileptic encephalopathy, 42 (DEE42A). Also called: DEVELOPMENTAL AND EPILEPTIC ENCEPHALOPATHY 42A; EPILEPTIC ENCEPHALOPATHY, EARLY INFANTILE, 42A; Epileptic encephalopathy, early infantile, 42. Identifiers: MedGen C4310716, MONDO:0014917, OMIM 617106.

Allele frequency attached by ClinVar (database versions not stated): gnomAD exomes below 0.00001; TOPMed below 0.00001; gnomAD 0.00001.
gnomAD v4.1: 5 of 1,613,466 alleles (0.00031%); highest among the groups gnomAD compares: East Asian, 0.0022%; no homozygotes.

Submissions (2):

Labcorp Genetics (formerly Invitae), Labcorp
Classification: Likely benign for Developmental and epileptic encephalopathy, 42; Episodic ataxia type 2. Last evaluated: 2025-03-26. Review status: criteria provided, single submitter. Criteria: Invitae Variant Classification Sherloc (09022015). Collection method: clinical testing. Allele origin: germline.

GeneDx
Classification: Likely benign. Last evaluated: 2017-01-11. Review status: criteria provided, single submitter. Criteria: GeneDx Variant Classification (06012015). Collection method: clinical testing. Allele origin: germline. Affected: yes.
Comment: This variant is considered likely benign or benign based on one or more of the following criteria: it is a conservative change, it occurs at a poorly conserved position in the protein, it is predicted to be benign by multiple in silico algorithms, and/or has population frequency not consistent with disease.